The following is an entry in ClinVar:

NM_017570.5(OPLAH):c.1972C>T (p.Arg658Trp)

Gene: OPLAH (5-oxoprolinase, ATP-hydrolysing; minus strand). Cytogenetic location: 8q24.3.
Variant type: single nucleotide variant.
Coding change: c.1972C>T on transcript NM_017570.5 (MANE Select); coding-DNA position 1972, C replaced by T.
Protein change: p.Arg658Trp; replaces arginine 658 with tryptophan.
Molecular consequence: missense variant.
Genome position (GRCh38, 1-based): chr8:144,056,396, G>A on the plus strand (C>T on the coding strand, the complement: OPLAH is on the minus strand). VCF-style: chr8-144056396-G-A. GRCh37 (hg19) VCF-style: chr8-145111299-G-A.
Other names: short protein forms R658W.
Identifiers: ClinVar variation 652843 (VCV000652843.2), dbSNP rs782702109, ClinGen allele CA4931646.

ClinVar aggregate classification (germline): Uncertain significance. Review status: criteria provided, multiple submitters, no conflicts (2 of 4 stars). 2 submissions from 2 submitters: Uncertain significance (2). Last evaluated 2022-05-04.

Conditions:
5-Oxoprolinase deficiency (OPLAHD). Also called: 5-OXOPROLINURIA DUE TO 5-OXOPROLINASE DEFICIENCY. Identifiers: Orphanet 33572, MedGen C0268525, MONDO:0009825, OMIM 260005, HP:0040142.

Allele frequency attached by ClinVar (database versions not stated): TOPMed 0.00007; gnomAD 0.00008 and 0.00009; ExAC 0.00009.
gnomAD v4.1: 72 of 1,604,730 alleles (0.0045%); highest among the groups gnomAD compares: South Asian, 0.017%; no homozygotes.

Submissions (2):

Fulgent Genetics
Classification: Uncertain significance for 5-Oxoprolinase deficiency. Last evaluated: 2022-05-04. Review status: criteria provided, single submitter. Criteria: ACMG Guidelines, 2015. Collection method: clinical testing. Allele origin: unknown.

Labcorp Genetics (formerly Invitae), Labcorp
Classification: Uncertain significance for 5-Oxoprolinase deficiency. Last evaluated: 2018-09-28. Review status: criteria provided, single submitter. Criteria: Invitae Variant Classification Sherloc (09022015). Collection method: clinical testing. Allele origin: germline.
Comment: This sequence change replaces arginine with tryptophan at codon 658 of the OPLAH protein (p.Arg658Trp). The arginine residue is weakly conserved and there is a moderate physicochemical difference between arginine and tryptophan. This variant is present in population databases (rs782702109, ExAC 0.01%). This variant has not been reported in the literature in individuals with OPLAH-related disease. Algorithms developed to predict the effect of missense changes on protein structure and function are either unavailable or do not agree on the potential impact of this missense change (SIFT: "Deleterious"; PolyPhen-2: "Benign"; Align-GVGD: "Class C0"). In summary, the available evidence is currently insufficient to determine the role of this variant in disease. Therefore, it has been classified as a Variant of Uncertain Significance.